The following is an entry in ClinVar:

NM_020919.4(ALS2):c.1329C>T (p.Pro443=)

Gene: ALS2 (alsin Rho guanine nucleotide exchange factor ALS2; minus strand). Cytogenetic location: 2q33.1.
Variant type: single nucleotide variant.
Coding change: c.1329C>T on transcript NM_020919.4 (MANE Select); coding-DNA position 1329, C replaced by T.
Protein change: p.Pro443=; no amino-acid change (proline 443 retained).
Molecular consequence: synonymous variant.
Genome position (GRCh38, 1-based): chr2:201,757,544, G>A on the plus strand (C>T on the coding strand, the complement: ALS2 is on the minus strand). VCF-style: chr2-201757544-G-A. GRCh37 (hg19) VCF-style: chr2-202622267-G-A.
Other names: c.1329C>T, p.Pro443= (NM_001410975.1).
Identifiers: ClinVar variation 4990648 (VCV004990648.1).

ClinVar aggregate classification (germline): Likely benign (1 of 4 stars; one submission).

Conditions:
ALS2-related disorder. Also called: ALS2-Related Spectrum Disorders; ALS2-related disorders; ALS2-related condition. Identifiers: MedGen CN169291.

gnomAD v4.1: 8 of 1,613,878 alleles (0.0005%); highest among the groups gnomAD compares: African/African-American, 0.0013%; no homozygotes.

Submission:

PreventionGenetics, part of Exact Sciences
Classification: Likely benign for ALS2-related condition. Last evaluated: 2026-04-04. Review status: criteria provided, single submitter. Criteria: ACMG Guidelines, 2015. Collection method: clinical testing. Allele origin: germline.
Comment: This variant is classified as likely benign based on ACMG/AMP sequence variant interpretation guidelines (Richards et al. 2015 PMID: 25741868, with internal and published modifications).